The following is an entry in ClinVar:

NM_002796.3(PSMB4):c.403T>A (p.Ser135Thr)

Gene: PSMB4 (proteasome 20S subunit beta 4; plus strand). Cytogenetic location: 1q21.3.
Variant type: single nucleotide variant.
Coding change: c.403T>A on transcript NM_002796.3 (MANE Select); coding-DNA position 403, T replaced by A.
Protein change: p.Ser135Thr; replaces serine 135 with threonine.
Molecular consequence: missense variant.
Genome position (GRCh38, 1-based): chr1:151,400,497, T>A. VCF-style: chr1-151400497-T-A. GRCh37 (hg19) VCF-style: chr1-151372973-T-A.
Other names: short protein forms S135T.
Identifiers: ClinVar variation 2830656 (VCV002830656.3), dbSNP rs2529157720, ClinGen allele CA341923977.

ClinVar aggregate classification (germline): Uncertain significance (1 of 4 stars; one submission).

Submission:

Labcorp Genetics (formerly Invitae), Labcorp
Classification: Uncertain significance. Last evaluated: 2023-01-28. Review status: criteria provided, single submitter. Criteria: Invitae Variant Classification Sherloc (09022015). Collection method: clinical testing. Allele origin: germline.
Comment: In summary, the available evidence is currently insufficient to determine the role of this variant in disease. Therefore, it has been classified as a Variant of Uncertain Significance. This sequence change replaces serine, which is neutral and polar, with threonine, which is neutral and polar, at codon 135 of the PSMB4 protein (p.Ser135Thr). This variant is not present in population databases (gnomAD no frequency). This variant has not been reported in the literature in individuals affected with PSMB4-related conditions. Algorithms developed to predict the effect of missense changes on protein structure and function (SIFT, PolyPhen-2, Align-GVGD) all suggest that this variant is likely to be tolerated.